The following is an entry in ClinVar:

NM_000051.4(ATM):c.8960A>G (p.Asp2987Gly)

Genes: C11orf65 (chromosome 11 open reading frame 65; minus strand), ATM (ATM serine/threonine kinase; plus strand). Cytogenetic location: 11q22.3.
Variant type: single nucleotide variant.
Coding change: c.8960A>G on transcript NM_000051.4 (MANE Select); coding-DNA position 8960, A replaced by G.
Protein change: p.Asp2987Gly; replaces aspartic acid 2987 with glycine.
Molecular consequence: missense variant. On other transcripts: intron variant (2).
Genome position (GRCh38, 1-based): chr11:108,365,191, A>G. VCF-style: chr11-108365191-A-G. GRCh37 (hg19) VCF-style: chr11-108235918-A-G.
Other names: c.8960A>G, p.Asp2987Gly (NM_001351834.2); c.640+20729T>C (NM_001330368.2); c.694+20729T>C (NM_001351110.2); short protein forms D2987G.
Identifiers: ClinVar variation 925856 (VCV000925856.10), dbSNP rs2091213427, ClinGen allele CA382530289.

ClinVar aggregate classification (germline): Uncertain significance. Review status: criteria provided, multiple submitters, no conflicts (2 of 4 stars). 3 submissions from 3 submitters: Uncertain significance (3). Last evaluated 2025-07-01.

Conditions:
Hereditary cancer-predisposing syndrome. Also called: Tumor predisposition; Neoplastic Syndromes, Hereditary; Hereditary neoplastic syndrome; Hereditary Cancer Syndrome. Identifiers: Orphanet 140162, MedGen C0027672, MeSH D009386, MONDO:0015356.
Ataxia-telangiectasia syndrome (AT). Also called: Ataxia-telangiectasia, complementation group D; AT, COMPLEMENTATION GROUP C; ATAXIA-TELANGIECTASIA, COMPLEMENTATION GROUP A; ATAXIA-TELANGIECTASIA, FRESNO VARIANT; Ataxia-telangiectasia; Ataxia telangiectasia (A-T). Identifiers: Orphanet 100, MedGen C0004135, MONDO:0008840, OMIM 208900.

Submissions (3):

Labcorp Genetics (formerly Invitae), Labcorp
Classification: Uncertain significance for Ataxia-telangiectasia syndrome. Last evaluated: 2025-07-01. Review status: criteria provided, single submitter. Criteria: Invitae Variant Classification Sherloc (09022015). Collection method: clinical testing. Allele origin: germline.
Comment: This sequence change replaces aspartic acid, which is acidic and polar, with glycine, which is neutral and non-polar, at codon 2987 of the ATM protein (p.Asp2987Gly). This variant is not present in population databases (gnomAD no frequency). This variant has not been reported in the literature in individuals affected with ATM-related conditions. ClinVar contains an entry for this variant (Variation ID: 925856). Invitae Evidence Modeling of protein sequence and biophysical properties (such as structural, functional, and spatial information, amino acid conservation, physicochemical variation, residue mobility, and thermodynamic stability) indicates that this missense variant is not expected to disrupt ATM protein function with a negative predictive value of 95%. In summary, the available evidence is currently insufficient to determine the role of this variant in disease. Therefore, it has been classified as a Variant of Uncertain Significance.

Color Diagnostics, LLC DBA Color Health
Classification: Uncertain significance for Hereditary cancer-predisposing syndrome. Last evaluated: 2024-03-06. Review status: criteria provided, single submitter. Criteria: ACMG Guidelines, 2015. Collection method: clinical testing. Allele origin: germline.
Comment: This missense variant replaces aspartic acid with glycine at codon 2987 of the ATM protein. Computational prediction suggests that this variant may not impact protein structure and function (internally defined REVEL score threshold <= 0.5, PMID: 27666373). To our knowledge, functional studies have not been performed for this variant. This variant has not been reported in individuals affected with hereditary cancer in the literature. This variant has not been identified in the general population by the Genome Aggregation Database (gnomAD). The available evidence is insufficient to determine the role of this variant in disease conclusively. Therefore, this variant is classified as a Variant of Uncertain Significance.

Ambry Genetics
Classification: Uncertain significance for Hereditary cancer-predisposing syndrome. Last evaluated: 2020-10-27. Review status: criteria provided, single submitter. Criteria: Ambry Variant Classification Scheme 2023. Collection method: clinical testing. Allele origin: germline.
Comment: The p.D2987G variant (also known as c.8960A>G), located in coding exon 61 of the ATM gene, results from an A to G substitution at nucleotide position 8960. The aspartic acid at codon 2987 is replaced by glycine, an amino acid with similar properties. This amino acid position is not well conserved in available vertebrate species. In addition, this alteration is predicted to be tolerated by in silico analysis. Since supporting evidence is limited at this time, the clinical significance of this alteration remains unclear.